The following is an entry in ClinVar:

NM_007103.4(NDUFV1):c.1287C>T (p.Asp429=)

Genes: NDUFV1 (NADH:ubiquinone oxidoreductase core subunit V1; plus strand), LOC126861242 (CDK7 strongly-dependent group 2 enhancer GRCh37_chr11:67379204-67380403; plus strand). Cytogenetic location: 11q13.2.
Variant type: single nucleotide variant.
Coding change: c.1287C>T on transcript NM_007103.4 (MANE Select); coding-DNA position 1287, C replaced by T.
Protein change: p.Asp429=; no amino-acid change (aspartic acid 429 retained).
Molecular consequence: synonymous variant.
Genome position (GRCh38, 1-based): chr11:67,612,244, C>T. VCF-style: chr11-67612244-C-T. GRCh37 (hg19) VCF-style: chr11-67379715-C-T.
Other names: c.1260C>T, p.Asp420= (NM_001166102.2); c.1287C>T (NM_007103.3).
Identifiers: ClinVar variation 1575271 (VCV001575271.8), dbSNP rs565472178, ClinGen allele CA6143469.
Genomic context (GRCh38, chr11:67,612,244, plus strand): 5'-CGACTCCCTGTGGGAGATCAGCAAGCAGATAGAAGGCCATACGATTTGTGCTCTGGGTGA[C>T]GGGGCCGCCTGGCCTGTGCAGGTATTCACCACCCTTCTGCGTAGCACGGAGGGTGGGTGG-3'
Protein context (NP_009034.2, residues 419-439): IEGHTICALG[Asp429=]GAAWPVQGLI

ClinVar aggregate classification (germline): Likely benign. Review status: criteria provided, single submitter (1 of 4 stars). 2 submissions from 2 submitters: Likely benign (1). 1 of the submissions does not count toward it. Last evaluated 2023-12-21.

Conditions:
NDUFV1-related disorder. Also called: NDUFV1-related condition; NDUFV1-related disorders.

Allele frequency attached by ClinVar (database versions not stated): ExAC 0.00002; gnomAD 0.00002 and 0.00003; gnomAD exomes 0.00002; 1000 Genomes Project 30x 0.00016; 1000 Genomes Project 0.00020.
gnomAD v4.1: 31 of 1,613,848 alleles (0.0019%); highest among the groups gnomAD compares: East Asian, 0.013%; no homozygotes.

Submissions (2):

Labcorp Genetics (formerly Invitae), Labcorp
Classification: Likely benign. Last evaluated: 2023-12-21. Review status: criteria provided, single submitter. Criteria: Invitae Variant Classification Sherloc (09022015). Collection method: clinical testing. Allele origin: germline.

PreventionGenetics, part of Exact Sciences
Classification: Likely benign for NDUFV1-related condition. Last evaluated: 2019-08-13. Review status: no assertion criteria provided. Collection method: clinical testing. Allele origin: germline. Not counted in ClinVar's aggregate classification.
Comment: This variant is classified as likely benign based on ACMG/AMP sequence variant interpretation guidelines (Richards et al. 2015 PMID: 25741868, with internal and published modifications).